The following is an entry in ClinVar:

ClinVar aggregate classification (germline): Uncertain significance. Review status: criteria provided, multiple submitters, no conflicts (2 of 4 stars). 4 submissions from 4 submitters: Uncertain significance (3). 1 of the submissions does not count toward it. Last evaluated 2025-07-29.

Conditions:
IFT74-related disorder. Also called: IFT74-related condition; IFT74-Related Disorders.

Allele frequency attached by ClinVar (database versions not stated): gnomAD exomes 0.00004; gnomAD 0.00007; ESP Exome Variant Server 0.00017; ExAC 0.00004; TOPMed 0.00009.
gnomAD v4.1: 65 of 1,596,716 alleles (0.0041%); highest among the groups gnomAD compares: African/African-American, 0.02%; no homozygotes.

Submissions (4):

Dasa
Classification: Uncertain significance. Last evaluated: 2025-07-29. Review status: criteria provided, single submitter. Criteria: DASA Assertion Criteria. Collection method: clinical testing. Allele origin: germline.
Comment: NM_025103.4(IFT74):c.1673C>T (p.Ala558Val) is a missense variant that results in the substitution of alanine with valine. This variant has been observed in affected individuals with IFT74-related disorders. Also, this variant is rare in population databases. Computational prediction algorithms are consistent with a benign effect. The currently available literature and clinical evidence are not sufficient to establish a definitive association between this variant and the reported condition. Therefore, this variant is classified as a variant of uncertain significance.

Labcorp Genetics (formerly Invitae), Labcorp
Classification: Uncertain significance. Last evaluated: 2022-08-16. Review status: criteria provided, single submitter. Criteria: Invitae Variant Classification Sherloc (09022015). Collection method: clinical testing. Allele origin: germline.
Comment: This sequence change replaces alanine, which is neutral and non-polar, with valine, which is neutral and non-polar, at codon 558 of the IFT74 protein (p.Ala558Val). The frequency data for this variant in the population databases is considered unreliable, as metrics indicate poor data quality at this position in the gnomAD database. This variant has not been reported in the literature in individuals affected with IFT74-related conditions. Algorithms developed to predict the effect of missense changes on protein structure and function output the following: SIFT: "Tolerated"; PolyPhen-2: "Benign"; Align-GVGD: "Class C0". The valine amino acid residue is found in multiple mammalian species, which suggests that this missense change does not adversely affect protein function. Algorithms developed to predict the effect of sequence changes on RNA splicing suggest that this variant may disrupt the consensus splice site. In summary, the available evidence is currently insufficient to determine the role of this variant in disease. Therefore, it has been classified as a Variant of Uncertain Significance.

Breakthrough Genomics
Classification: Uncertain significance. Review status: criteria provided, single submitter. Criteria: ACMG Guidelines, 2015. Collection method: not provided. Allele origin: germline. Inheritance: Autosomal recessive inheritance. Affected: yes.

PreventionGenetics, part of Exact Sciences
Classification: Uncertain significance for IFT74-related condition. Last evaluated: 2024-08-20. Review status: no assertion criteria provided. Collection method: clinical testing. Allele origin: germline. Not counted in ClinVar's aggregate classification.
Comment: The IFT74 c.1673C>T variant is predicted to result in the amino acid substitution p.Ala558Val. To our knowledge, this variant has not been reported in the literature. This variant is reported in 0.021% of alleles in individuals of African descent in gnomAD. At this time, the clinical significance of this variant is uncertain due to the absence of conclusive functional and genetic evidence.

NM_025103.4(IFT74):c.1673C>T (p.Ala558Val)

Gene: IFT74 (intraflagellar transport 74; plus strand). Cytogenetic location: 9p21.2.
Variant type: single nucleotide variant.
Coding change: c.1673C>T on transcript NM_025103.4 (MANE Select); coding-DNA position 1673, C replaced by T.
Protein change: p.Ala558Val; replaces alanine 558 with valine.
Molecular consequence: missense variant.
Genome position (GRCh38, 1-based): chr9:27,060,640, C>T. VCF-style: chr9-27060640-C-T. GRCh37 (hg19) VCF-style: chr9-27060638-C-T.
Other names: c.1673C>T (NM_025103.2); c.1673C>T, p.Ala558Val (NM_001099222.3, NM_001099223.3, NM_001349928.2); short protein forms A558V.
Identifiers: ClinVar variation 2044825 (VCV002044825.6), dbSNP rs199562248, ClinGen allele CA5015743.